The following is an entry in ClinVar:

ClinVar aggregate classification (germline): Conflicting classifications of pathogenicity. Review status: criteria provided, conflicting classifications (1 of 4 stars). 10 submissions from 9 submitters: Pathogenic (1); Likely pathogenic (4); Uncertain significance (1). 4 of the submissions do not count toward it. Last evaluated 2025-09-17.

Conditions:
Hereditary spastic paraplegia 43. Also called: Spastic paraplegia 43, autosomal recessive. Identifiers: Orphanet 320370, MedGen C2680446, MONDO:0014024, OMIM 615043.
Neurodegeneration with brain iron accumulation 4 (NBIA4). Also called: MITOCHONDRIAL PROTEIN-ASSOCIATED NEURODEGENERATION. Identifiers: Orphanet 289560, MedGen C3280371, MONDO:0013674, OMIM 614298. Disease mechanism: loss of function.
Inborn genetic diseases. Identifiers: MedGen C0950123, MeSH D030342.

Allele frequency attached by ClinVar (database versions not stated): gnomAD 0.00013; ESP Exome Variant Server 0.00025; TOPMed 0.00013.

Submissions (10):

Ambry Genetics
Classification: Pathogenic for Inborn genetic diseases. Last evaluated: 2025-09-17. Review status: criteria provided, single submitter. Criteria: Ambry Variant Classification Scheme 2023. Collection method: clinical testing. Allele origin: germline.
Comment: The c.187G>C (p.A63P) alteration is located in exon 2 (coding exon 2) of the C19orf12 gene. This alteration results from a G to C substitution at nucleotide position 187, causing the alanine (A) at amino acid position 63 to be replaced by a proline (P). for autosomal recessive mitochondrial membrane protein-associated neurodegeneration; however, it is unlikely to be causative of autosomal dominant mitochondrial membrane protein-associated neurodegeneration. Based on data from gnomAD, the C allele has an overall frequency of 0.004% (11/278694) total alleles studied. The highest observed frequency was 0.042% (10/24120) of African alleles. This variant has been identified in the homozygous state and/or in conjunction with other C19ORF12 variant(s) in individual(s) with features consistent with mitochondrial membrane protein-associated neurodegeneration (de Vries, 2021; Benkirane, 2021; Sun, 2019; Landour&eacute;, 2013; Meilleur, 2010). This amino acid position is highly conserved in available vertebrate species. Functional studies suggest that this variant alters localization; however, additional evidence is needed to confirm this finding (Landour&eacute;, 2013). This alteration is predicted to be deleterious by in silico analysis. Based on the available evidence, this alteration is classified as pathogenic.

CeGaT Center for Human Genetics Tuebingen
Classification: Likely pathogenic. Last evaluated: 2025-02-01. Review status: criteria provided, single submitter. Criteria: CeGaT Center For Human Genetics Tuebingen Variant Classification Criteria Version 2. Collection method: clinical testing. Allele origin: germline. Affected: yes. Observed: 1 variant allele.
Comment: C19orf12: PM3:Strong, PM2, PP3

Labcorp Genetics (formerly Invitae), Labcorp
Classification: Uncertain significance for Hereditary spastic paraplegia 43. Last evaluated: 2024-08-23. Review status: criteria provided, single submitter. Criteria: Invitae Variant Classification Sherloc (09022015). Collection method: clinical testing. Allele origin: germline.
Comment: This sequence change replaces alanine, which is neutral and non-polar, with proline, which is neutral and non-polar, at codon 63 of the C19orf12 protein (p.Ala63Pro). This variant is present in population databases (rs376103979, gnomAD 0.04%). This missense change has been observed in individual(s) with clinical features of neurodegeneration with brain iron accumulation (PMID: 23857908, 29915382, 30369941). ClinVar contains an entry for this variant (Variation ID: 88865). An algorithm developed to predict the effect of missense changes on protein structure and function (PolyPhen-2) suggests that this variant is likely to be disruptive. In summary, the available evidence is currently insufficient to determine the role of this variant in disease. Therefore, it has been classified as a Variant of Uncertain Significance.

Fulgent Genetics
Classification: Likely pathogenic for Neurodegeneration with brain iron accumulation 4; Hereditary spastic paraplegia 43. Last evaluated: 2024-05-15. Review status: criteria provided, single submitter. Criteria: ACMG Guidelines, 2015. Collection method: clinical testing. Allele origin: germline.

GeneDx
Classification: Likely pathogenic. Last evaluated: 2022-01-14. Review status: criteria provided, single submitter. Criteria: GeneDx Variant Classification Process June 2021. Collection method: clinical testing. Allele origin: germline. Affected: yes.
Comment: In silico analysis supports that this missense variant has a deleterious effect on protein structure/function; This variant is associated with the following publications: (PMID: 20039086, 23857908, 29915382, 24575447, 27066513, 26347879, 34022688, 30369941)

Genetic Services Laboratory, University of Chicago
Classification: Likely pathogenic for Neurodegeneration with brain iron accumulation 4. Last evaluated: 2016-08-26. Review status: criteria provided, single submitter. Criteria: ACMG Guidelines, 2015. Collection method: clinical testing. Allele origin: germline. Affected: yes.

Solve-RD Consortium
Classification: Likely pathogenic for Neurodegeneration with brain iron accumulation 4. Last evaluated: 2022-06-01. Review status: no assertion criteria provided. Collection method: provider interpretation. Allele origin: inherited. Affected: yes. Not counted in ClinVar's aggregate classification.
Comment: Variant confirmed as disease-causing by referring clinical team

Variant identified during reanalysis of unsolved cases by the Solve-RD project. The Solve-RD project has received funding from the European Union’s Horizon 2020 research and innovation programme under grant agreement No 779257.

OMIM
Classification: Pathogenic for SPASTIC PARAPLEGIA 43, AUTOSOMAL RECESSIVE (1 family). Last evaluated: 2013-10-01. Review status: no assertion criteria provided. Collection method: literature only. Allele origin: germline. Not counted in ClinVar's aggregate classification.

OMIM
Classification: Pathogenic for NEURODEGENERATION WITH BRAIN IRON ACCUMULATION 4, AUTOSOMAL RECESSIVE. Last evaluated: 2013-10-01. Review status: no assertion criteria provided. Collection method: literature only. Allele origin: germline. Not counted in ClinVar's aggregate classification.

GeneReviews
No classification provided. Condition: Neurodegeneration with brain iron accumulation 4. Review status: no classification provided. Collection method: literature only. Allele origin: germline. Not counted in ClinVar's aggregate classification.
Comment: MRI did not show brain iron accumulation in some persons

Literature cited by the submitters: PubMed 20039086 (cited by Ambry Genetics and OMIM); PubMed 23857908 (cited by 4 submitters); PubMed 29915382 (cited by Ambry Genetics and Labcorp Genetics (formerly Invitae), Labcorp); PubMed 34022688 (cited by Ambry Genetics); PubMed 34234304 (cited by Ambry Genetics); PubMed 30369941 (cited by Labcorp Genetics (formerly Invitae), Labcorp); PubMed 39825153 (cited by Solve-RD Consortium).

NM_031448.6(C19orf12):c.154G>C (p.Ala52Pro)

Gene: C19orf12 (chromosome 19 open reading frame 12; minus strand). Cytogenetic location: 19q12.
Variant type: single nucleotide variant.
Coding change: c.154G>C on transcript NM_031448.6 (MANE Select); coding-DNA position 154, G replaced by C.
Protein change: p.Ala52Pro; replaces alanine 52 with proline.
Molecular consequence: missense variant. On other transcripts: 5 prime UTR variant (1), intron variant (2).
Genome position (GRCh38, 1-based): chr19:29,708,260, C>G on the plus strand (G>C on the coding strand, the complement: C19orf12 is on the minus strand). VCF-style: chr19-29708260-C-G. GRCh37 (hg19) VCF-style: chr19-30199167-C-G.
Other names: C19ORF12, ALA63PRO; c.154G>C, p.Ala52Pro (NM_001031726.4, NM_001256046.3, NM_001256047.2); c.-160G>C (NM_001282931.3); c.-32-5283G>C (NM_001282929.1, NM_001282930.3); short protein forms A63P, A52P.
Identifiers: ClinVar variation 88865 (VCV000088865.38), dbSNP rs376103979, ClinGen allele CA145387.